The following is an entry in ClinVar:

ClinVar aggregate classification (germline): Conflicting classifications of pathogenicity. Review status: criteria provided, conflicting classifications (1 of 4 stars). 3 submissions from 3 submitters: Uncertain significance (1); Benign (1); Likely benign (1). Last evaluated 2025-10-27.

Conditions:
Noonan syndrome 9 (NS9). Identifiers: Orphanet 648, MedGen C4225282, MONDO:0014691, OMIM 616559.
Cardiovascular phenotype. Identifiers: MedGen CN230736.

Allele frequency attached by ClinVar (database versions not stated): gnomAD exomes 0.00007 and 0.00004; ExAC 0.00010; gnomAD below 0.00001 and 0.00001; TOPMed 0.00005.

Submissions (3):

Labcorp Genetics (formerly Invitae), Labcorp
Classification: Likely benign for Noonan syndrome 9. Last evaluated: 2025-10-27. Review status: criteria provided, single submitter. Criteria: Invitae Variant Classification Sherloc (09022015). Collection method: clinical testing. Allele origin: germline.

Ambry Genetics
Classification: Uncertain significance for Cardiovascular phenotype. Last evaluated: 2024-09-04. Review status: criteria provided, single submitter. Criteria: Ambry Variant Classification Scheme 2023. Collection method: clinical testing. Allele origin: germline.
Comment: The p.A537S variant (also known as c.1609G>T), located in coding exon 10 of the SOS2 gene, results from a G to T substitution at nucleotide position 1609. The alanine at codon 537 is replaced by serine, an amino acid with similar properties. This amino acid position is conserved. In addition, the in silico prediction for this alteration is inconclusive. Since supporting evidence is limited at this time, the clinical significance of this alteration remains unclear.

Women's Health and Genetics/Laboratory Corporation of America, LabCorp
Classification: Benign. Last evaluated: 2020-07-20. Review status: criteria provided, single submitter. Criteria: LabCorp Variant Classification Summary - May 2015. Collection method: clinical testing. Allele origin: germline.
Comment: Variant summary: SOS2 c.1609G>T (p.Ala537Ser) results in a conservative amino acid change in the encoded protein sequence. Three of five in-silico tools predict a damaging effect of the variant on protein function. The variant allele was found at a frequency of 6.8e-05 in 251012 control chromosomes in the gnomAD database, including 1 homozygote. The observed variant frequency is approximately 27-fold the estimated maximal expected allele frequency for a pathogenic variant in SOS2 causing Noonan Syndrome phenotype (2.5e-06), strongly suggesting that the variant is benign. To our knowledge, no occurrence of c.1609G>T in individuals affected with Noonan Syndrome and no experimental evidence demonstrating its impact on protein function have been reported. No other clinical diagnostic laboratories have submitted clinical-significance assessments for this variant to ClinVar after 2014. Based on the evidence outlined above, the variant was classified as benign.

NM_006939.4(SOS2):c.1609G>T (p.Ala537Ser)

Gene: SOS2 (SOS Ras/Rho guanine nucleotide exchange factor 2; minus strand). Cytogenetic location: 14q21.3.
Variant type: single nucleotide variant.
Coding change: c.1609G>T on transcript NM_006939.4 (MANE Select); coding-DNA position 1609, G replaced by T.
Protein change: p.Ala537Ser; replaces alanine 537 with serine.
Molecular consequence: missense variant.
Genome position (GRCh38, 1-based): chr14:50,159,674, C>A on the plus strand (G>T on the coding strand, the complement: SOS2 is on the minus strand). VCF-style: chr14-50159674-C-A. GRCh37 (hg19) VCF-style: chr14-50626392-C-A.
Other names: short protein forms A537S.
Identifiers: ClinVar variation 974973 (VCV000974973.10), dbSNP rs748632850, ClinGen allele CA7177261.